The following is an entry in ClinVar:

NM_017654.4(SAMD9):c.4531T>C (p.Leu1511=)

Gene: SAMD9 (sterile alpha motif domain containing 9; minus strand). Cytogenetic location: 7q21.2.
Variant type: single nucleotide variant.
Coding change: c.4531T>C on transcript NM_017654.4 (MANE Select); coding-DNA position 4531, T replaced by C.
Protein change: p.Leu1511=; no amino-acid change (leucine 1511 retained).
Molecular consequence: synonymous variant.
Genome position (GRCh38, 1-based): chr7:93,101,567, A>G on the plus strand (T>C on the coding strand, the complement: SAMD9 is on the minus strand). VCF-style: chr7-93101567-A-G. GRCh37 (hg19) VCF-style: chr7-92730880-A-G.
Other names: c.4531T>C, p.Leu1511= (NM_001193307.2); c.4531T>C (NM_017654.3).
Identifiers: ClinVar variation 1571070 (VCV001571070.12), dbSNP rs371770834, ClinGen allele CA4342538.

ClinVar aggregate classification (germline): Likely benign. Review status: criteria provided, multiple submitters, no conflicts (2 of 4 stars). 4 submissions from 4 submitters: Likely benign (3). 1 of the submissions does not count toward it. Last evaluated 2025-12-20.

Conditions:
Inborn genetic diseases. Identifiers: MedGen C0950123, MeSH D030342.
SAMD9-related disorder. Also called: SAMD9-related condition.

Allele frequency attached by ClinVar (database versions not stated): gnomAD exomes 0.00004 and 0.00011; ExAC 0.00005; gnomAD 0.00005 and 0.00006; TOPMed 0.00005; ESP Exome Variant Server 0.00008.
gnomAD v4.1: 66 of 1,613,764 alleles (0.0041%); highest among the groups gnomAD compares: Admixed American, 0.068%; no homozygotes.

Submissions (4):

Labcorp Genetics (formerly Invitae), Labcorp
Classification: Likely benign. Last evaluated: 2025-12-20. Review status: criteria provided, single submitter. Criteria: Invitae Variant Classification Sherloc (09022015). Collection method: clinical testing. Allele origin: germline.

Ambry Genetics
Classification: Likely benign for Inborn genetic diseases. Last evaluated: 2024-11-25. Review status: criteria provided, single submitter. Criteria: Ambry Variant Classification Scheme 2023. Collection method: clinical testing. Allele origin: germline.

Blueprint Genetics
Classification: Likely benign. Last evaluated: 2023-11-04. Review status: criteria provided, single submitter. Criteria: ACMG Guidelines, 2015. Collection method: clinical testing. Allele origin: germline.

PreventionGenetics, part of Exact Sciences
Classification: Likely benign for SAMD9-related condition. Last evaluated: 2021-08-02. Review status: no assertion criteria provided. Collection method: clinical testing. Allele origin: germline. Not counted in ClinVar's aggregate classification.
Comment: This variant is classified as likely benign based on ACMG/AMP sequence variant interpretation guidelines (Richards et al. 2015 PMID: 25741868, with internal and published modifications).